The following is an entry in ClinVar:

ClinVar aggregate classification (germline): Pathogenic. Review status: criteria provided, multiple submitters, no conflicts (2 of 4 stars). 4 submissions from 3 submitters: Pathogenic (4). Last evaluated 2025-03-19.

Conditions:
Cardiomyopathy (CMYO). Also called: Cardiomyopathies. Identifiers: Orphanet 167848, MedGen C0878544, MONDO:0004994, HP:0001638. Inheritance: Various modes of inheritance.
Cardiovascular phenotype. Identifiers: MedGen CN230736.
Arrhythmogenic right ventricular dysplasia 8 (ARVD8). Also called: Arrhythmogenic Right Ventricular Dysplasia/Cardiomyopathy 8; ARRHYTHMOGENIC RIGHT VENTRICULAR DYSPLASIA, FAMILIAL, 8; ARRHYTHMOGENIC RIGHT VENTRICULAR CARDIOMYOPATHY 8. Identifiers: MedGen C1843896, MONDO:0011831, OMIM 607450.
Arrhythmogenic cardiomyopathy with wooly hair and keratoderma. Also called: Dilated cardiomyopathy with woolly hair and keratoderma; Arrhythmogenic cardiomyopathy with woolly hair and keratoderma; PALMOPLANTAR KERATODERMA WITH LEFT VENTRICULAR CARDIOMYOPATHY AND WOOLLY HAIR; Carvajal syndrome. Identifiers: Orphanet 65282, MedGen C1854063, MONDO:0011581, OMIM 605676.

Submissions (4):

Ambry Genetics
Classification: Pathogenic for Cardiovascular phenotype. Last evaluated: 2025-03-19. Review status: criteria provided, single submitter. Criteria: Ambry Variant Classification Scheme 2023. Collection method: clinical testing. Allele origin: germline.
Comment: The c.465delC pathogenic mutation, located in coding exon 4 of the DSP gene, results from a deletion of one nucleotide at nucleotide position 465, causing a translational frameshift with a predicted alternate stop codon (p.I156Sfs*40). This variant is considered to be rare based on population cohorts in the Genome Aggregation Database (gnomAD). This alteration is expected to result in loss of function by premature protein truncation or nonsense-mediated mRNA decay. As such, this alteration is interpreted as a disease-causing mutation.

Color Diagnostics, LLC DBA Color Health
Classification: Pathogenic for Cardiomyopathy. Last evaluated: 2019-05-22. Review status: criteria provided, single submitter. Criteria: ACMG Guidelines, 2015. Collection method: clinical testing. Allele origin: germline.
Comment: This variant deletes 1 nucleotide in exon 4 of the DSP gene, creating a frameshift and premature translation stop signal. This variant is expected to result in an absent or non-functional protein product. To our knowledge, functional assays have not been performed for this variant nor has this variant been reported in individuals affected with cardiovascular disorders in the literature. This variant has not been identified in the general population by the Genome Aggregation Database (gnomAD). Loss of DSP function is a known mechanism of disease. Based on available evidence, this variant is classified as Pathogenic.

Labcorp Genetics (formerly Invitae), Labcorp
Classification: Pathogenic for Arrhythmogenic right ventricular dysplasia 8. Last evaluated: 2017-03-21. Review status: criteria provided, single submitter. Criteria: Invitae Variant Classification Sherloc (09022015). Collection method: clinical testing. Allele origin: germline.
Comment: This sequence change deletes 1 nucleotide from exon 4 of the DSP mRNA (c.465delC), causing a frameshift at codon 156. This creates a premature translational stop signal (p.Ile156Serfs*40) and is expected to result in an absent or disrupted protein product. While this particular variant has not been reported in the literature, loss-of-function variants in DSP are known to be pathogenic (PMID: 24503780, 20716751). For these reasons, this variant has been classified as Pathogenic.

Labcorp Genetics (formerly Invitae), Labcorp
Classification: Pathogenic for Arrhythmogenic cardiomyopathy with wooly hair and keratoderma; Arrhythmogenic right ventricular dysplasia 8. Last evaluated: 2017-02-27. Review status: criteria provided, single submitter. Criteria: Invitae Variant Classification Sherloc (09022015). Collection method: clinical testing. Allele origin: germline.
Comment: For these reasons, this variant has been classified as Pathogenic. While this particular variant has not been reported in the literature, loss-of-function variants in DSP are known to be pathogenic (PMID: 24503780, 20716751). This sequence change deletes 1 nucleotide from exon 4 of the DSP mRNA (c.465delC), causing a frameshift at codon 156. This creates a premature translational stop signal (p.Ile156Serfs*40) and is expected to result in an absent or disrupted protein product.

Literature cited by the submitters: PubMed 24503780 (cited by Labcorp Genetics (formerly Invitae), Labcorp); PubMed 20716751 (cited by Labcorp Genetics (formerly Invitae), Labcorp).

NM_004415.4(DSP):c.465del (p.Ile156fs)

Gene: DSP (desmoplakin; plus strand). Cytogenetic location: 6p24.3.
Variant type: Deletion.
Coding change: c.465del on transcript NM_004415.4 (MANE Select); coding-DNA position 465, one base deleted (C; older notation c.465delC).
Protein change: p.Ile156fs; shifts the reading frame from isoleucine 156.
Molecular consequence: frameshift variant.
Genome position (GRCh38, 1-based): chr6:7,559,268, C deleted; the last of 2 consecutive C bases (chr6:7,559,267-7,559,268); deleting either gives the same sequence. VCF-style (leftmost placement, unchanged base first): chr6-7559266-GC-G. GRCh37 (hg19) VCF-style: chr6-7559499-GC-G.
Other names: c.465del, p.Ile156fs (NM_001008844.3, NM_001319034.2); c.465del (NM_004415.2, LRG_423t1); short protein forms I156fs.
Identifiers: ClinVar variation 464964 (VCV000464964.12), dbSNP rs1554105911, ClinGen allele CA658657574.
Genomic context (GRCh38, chr6:7,559,266, plus strand): 5'-AAAGGTTTTTTTCTTTGCAGGCTTCTTCAGCTCCAAGAGCAAATGCGAGCCCTTTATAAA[GC>G]CATCAGTGTCCCTCGAGTCCGCAGGGCCAGCTCCAAGGGTGGTGGAGGCTACACTTGTCA-3'